The following is an entry in ClinVar:

NM_003036.4(SKI):c.1783C>T (p.Arg595Cys)

Gene: SKI (SKI proto-oncogene; plus strand). Cytogenetic location: 1p36.32.
Variant type: single nucleotide variant.
Coding change: c.1783C>T on transcript NM_003036.4 (MANE Select); coding-DNA position 1783, C replaced by T.
Protein change: p.Arg595Cys; replaces arginine 595 with cysteine.
Molecular consequence: missense variant.
Genome position (GRCh38, 1-based): chr1:2,306,035, C>T. VCF-style: chr1-2306035-C-T. GRCh37 (hg19) VCF-style: chr1-2237474-C-T.
Other names: short protein forms R595C.
Identifiers: ClinVar variation 3442309 (VCV003442309.1).

ClinVar aggregate classification (germline): Uncertain significance (1 of 4 stars; one submission).

Conditions:
Familial thoracic aortic aneurysm and aortic dissection (TAAD). Also called: Thoracic aortic aneurysms and dissections. Identifiers: Orphanet 91387, MedGen C4707243, MONDO:0019625.

gnomAD v4.1: 5 of 1,585,946 alleles (0.00032%); highest among the groups gnomAD compares: African/African-American, 0.0027%; no homozygotes.

Submission:

Ambry Genetics
Classification: Uncertain significance for Familial thoracic aortic aneurysm and aortic dissection. Last evaluated: 2024-11-03. Review status: criteria provided, single submitter. Criteria: Ambry Variant Classification Scheme 2023. Collection method: clinical testing. Allele origin: germline.
Comment: The p.R595C variant (also known as c.1783C>T), located in coding exon 6 of the SKI gene, results from a C to T substitution at nucleotide position 1783. The arginine at codon 595 is replaced by cysteine, an amino acid with highly dissimilar properties. This amino acid position is conserved. In addition, the in silico prediction for this alteration is inconclusive. Based on the available evidence, the clinical significance of this variant remains unclear.